The following is an entry in ClinVar:

NM_001845.6(COL4A1):c.391G>A (p.Glu131Lys)

Gene: COL4A1 (collagen type IV alpha 1 chain; minus strand). Cytogenetic location: 13q34.
Variant type: single nucleotide variant.
Coding change: c.391G>A on transcript NM_001845.6 (MANE Select); coding-DNA position 391, G replaced by A.
Protein change: p.Glu131Lys; replaces glutamic acid 131 with lysine.
Molecular consequence: missense variant.
Genome position (GRCh38, 1-based): chr13:110,211,919, C>T on the plus strand (G>A on the coding strand, the complement: COL4A1 is on the minus strand). VCF-style: chr13-110211919-C-T. GRCh37 (hg19) VCF-style: chr13-110864266-C-T.
Other names: c.391G>A, p.Glu131Lys (NM_001303110.2); short protein forms E131K.
Identifiers: ClinVar variation 4745436 (VCV004745436.1).

ClinVar aggregate classification (germline): Uncertain significance (1 of 4 stars; one submission).

gnomAD v4.1: 14 of 1,614,136 alleles (0.00087%); highest among the groups gnomAD compares: Non-Finnish European, 0.0011%; no homozygotes.

Submission:

Labcorp Genetics (formerly Invitae), Labcorp
Classification: Uncertain significance. Last evaluated: 2025-03-07. Review status: criteria provided, single submitter. Criteria: Invitae Variant Classification Sherloc (09022015). Collection method: clinical testing. Allele origin: germline.
Comment: This sequence change replaces glutamic acid, which is acidic and polar, with lysine, which is basic and polar, at codon 131 of the COL4A1 protein (p.Glu131Lys). This variant is present in population databases (no rsID available, gnomAD 0.0009%). This variant has not been reported in the literature in individuals affected with COL4A1-related conditions. Invitae Evidence Modeling of protein sequence and biophysical properties (such as structural, functional, and spatial information, amino acid conservation, physicochemical variation, residue mobility, and thermodynamic stability) indicates that this missense variant is not expected to disrupt COL4A1 protein function with a negative predictive value of 80%. In summary, the available evidence is currently insufficient to determine the role of this variant in disease. Therefore, it has been classified as a Variant of Uncertain Significance.